The following is an entry in ClinVar:

NM_001009944.3(PKD1):c.3841G>A (p.Gly1281Ser)

Gene: PKD1 (polycystin 1, transient receptor potential channel interacting; minus strand). Cytogenetic location: 16p13.3.
Variant type: single nucleotide variant.
Coding change: c.3841G>A on transcript NM_001009944.3 (MANE Select); coding-DNA position 3841, G replaced by A.
Protein change: p.Gly1281Ser; replaces glycine 1281 with serine.
Molecular consequence: missense variant.
Genome position (GRCh38, 1-based): chr16:2,111,326, C>T on the plus strand (G>A on the coding strand, the complement: PKD1 is on the minus strand). VCF-style: chr16-2111326-C-T. GRCh37 (hg19) VCF-style: chr16-2161327-C-T.
Other names: c.3841G>A, p.Gly1281Ser (NM_000296.4); short protein forms G1281S.
Identifiers: ClinVar variation 3057330 (VCV003057330.2), dbSNP rs749482125, ClinGen allele CA7832614.

ClinVar aggregate classification (germline): Likely benign (0 of 4 stars; one submission).

Conditions:
PKD1-related disorder. Also called: PKD1-related condition.

Allele frequency attached by ClinVar (database versions not stated): gnomAD 0.00001; TOPMed 0.00002; gnomAD exomes 0.00003; ExAC 0.00007.
gnomAD v4.1: 50 of 1,608,524 alleles (0.0031%); highest among the groups gnomAD compares: South Asian, 0.052%; no homozygotes.

Submission:

PreventionGenetics, part of Exact Sciences
Classification: Likely benign for PKD1-related condition. Last evaluated: 2022-08-06. Review status: no assertion criteria provided. Collection method: clinical testing. Allele origin: germline.
Comment: This variant is classified as likely benign based on ACMG/AMP sequence variant interpretation guidelines (Richards et al. 2015 PMID: 25741868, with internal and published modifications).